The following is an entry in ClinVar:

ClinVar aggregate classification (germline): Uncertain significance (1 of 4 stars; one submission).

Submission:

Labcorp Genetics (formerly Invitae), Labcorp
Classification: Uncertain significance. Last evaluated: 2024-08-02. Review status: criteria provided, single submitter. Criteria: Invitae Variant Classification Sherloc (09022015). Collection method: clinical testing. Allele origin: germline.
Comment: This sequence change replaces serine, which is neutral and polar, with threonine, which is neutral and polar, at codon 649 of the PROM1 protein (p.Ser649Thr). This variant is not present in population databases (gnomAD no frequency). This variant has not been reported in the literature in individuals affected with PROM1-related conditions. Advanced modeling of protein sequence and biophysical properties (such as structural, functional, and spatial information, amino acid conservation, physicochemical variation, residue mobility, and thermodynamic stability) performed at Invitae indicates that this missense variant is not expected to disrupt PROM1 protein function with a negative predictive value of 80%. This variant disrupts the p.Ser649 amino acid residue in PROM1. Other variant(s) that disrupt this residue have been determined to be pathogenic (PMID: 28418496, 36648511). This suggests that this residue is clinically significant, and that variants that disrupt this residue are likely to be disease-causing. In summary, the available evidence is currently insufficient to determine the role of this variant in disease. Therefore, it has been classified as a Variant of Uncertain Significance.

Literature cited by the submitters: PubMed 28418496; PubMed 36648511.

NM_006017.3(PROM1):c.1945T>A (p.Ser649Thr)

Gene: PROM1 (prominin 1; minus strand). Cytogenetic location: 4p15.32.
Variant type: single nucleotide variant.
Coding change: c.1945T>A on transcript NM_006017.3 (MANE Select); coding-DNA position 1945, T replaced by A.
Protein change: p.Ser649Thr; replaces serine 649 with threonine.
Molecular consequence: missense variant.
Genome position (GRCh38, 1-based): chr4:15,991,260, A>T on the plus strand (T>A on the coding strand, the complement: PROM1 is on the minus strand). VCF-style: chr4-15991260-A-T. GRCh37 (hg19) VCF-style: chr4-15992883-A-T.
Other names: c.1918T>A, p.Ser640Thr (NM_001145847.2, NM_001145848.2, NM_001145851.2 and 4 more transcripts); c.1945T>A, p.Ser649Thr (NM_001145849.2, NM_001145850.2); short protein forms S640T, S649T.
Identifiers: ClinVar variation 3645567 (VCV003645567.2).